The following is an entry in ClinVar:

NM_203447.4(DOCK8):c.3634G>A (p.Ala1212Thr)

Gene: DOCK8 (dedicator of cytokinesis 8; plus strand). Cytogenetic location: 9p24.3.
Variant type: single nucleotide variant.
Coding change: c.3634G>A on transcript NM_203447.4 (MANE Select); coding-DNA position 3634, G replaced by A.
Protein change: p.Ala1212Thr; replaces alanine 1212 with threonine.
Molecular consequence: missense variant.
Genome position (GRCh38, 1-based): chr9:414,885, G>A. VCF-style: chr9-414885-G-A. GRCh37 (hg19) VCF-style: chr9-414885-G-A.
Other names: c.3334G>A, p.Ala1112Thr (NM_001190458.2); c.3430G>A, p.Ala1144Thr (NM_001193536.2); short protein forms A1112T, A1144T, A1212T.
Identifiers: ClinVar variation 4768488 (VCV004768488.1).
Genomic context (GRCh38, chr9:414,885, plus strand): 5'-CTGCTAAGTTCTCACGACCTGGACCCACGCTGTGTCAAACCAGAGGTGAAGGTCAAAATC[G>A]CCGCCCTTTACCTACCTTTAGTTGGCATCATTTTGGATGCTTTGCCACAGCTCTGTGACT-3'
Protein context (NP_982272.2, residues 1202-1222): CVKPEVKVKI[Ala1212Thr]ALYLPLVGII

ClinVar aggregate classification (germline): Uncertain significance (1 of 4 stars; one submission).

Conditions:
Combined immunodeficiency due to DOCK8 deficiency (HIES2). Also called: HIES autosomal recessive; Hyper-IgE recurrent infection syndrome, autosomal recessive; HYPER-IgE RECURRENT INFECTION SYNDROME 2, AUTOSOMAL RECESSIVE; HYPER-IgE SYNDROME 2, AUTOSOMAL RECESSIVE, WITH RECURRENT INFECTIONS; DOCK8 Deficiency. Identifiers: Orphanet 217390, MedGen C4722305, MONDO:0009478, OMIM 243700.

gnomAD v4.1: 12 of 1,613,992 alleles (0.00074%); highest among the groups gnomAD compares: Middle Eastern, 0.016%; no homozygotes.

Submission:

Labcorp Genetics (formerly Invitae), Labcorp
Classification: Uncertain significance for Combined immunodeficiency due to DOCK8 deficiency. Last evaluated: 2025-09-03. Review status: criteria provided, single submitter. Criteria: Invitae Variant Classification Sherloc (09022015). Collection method: clinical testing. Allele origin: germline.
Comment: This sequence change replaces alanine, which is neutral and non-polar, with threonine, which is neutral and polar, at codon 1212 of the DOCK8 protein (p.Ala1212Thr). This variant is present in population databases (rs780778565, gnomAD 0.005%). This variant has not been reported in the literature in individuals affected with DOCK8-related conditions. Invitae Evidence Modeling of protein sequence and biophysical properties (such as structural, functional, and spatial information, amino acid conservation, physicochemical variation, residue mobility, and thermodynamic stability) indicates that this missense variant is expected to disrupt DOCK8 protein function with a positive predictive value of 80%. In summary, the available evidence is currently insufficient to determine the role of this variant in disease. Therefore, it has been classified as a Variant of Uncertain Significance.